The following is an entry in ClinVar:

ClinVar aggregate classification (germline): Uncertain significance (1 of 4 stars; one submission).

Conditions:
Developmental and epileptic encephalopathy. Identifiers: MedGen C5779964, MONDO:0100620.

Submission:

Labcorp Genetics (formerly Invitae), Labcorp
Classification: Uncertain significance for Early-infantile DEE. Last evaluated: 2022-07-19. Review status: criteria provided, single submitter. Criteria: Invitae Variant Classification Sherloc (09022015). Collection method: clinical testing. Allele origin: germline.
Comment: In summary, the available evidence is currently insufficient to determine the role of this variant in disease. Therefore, it has been classified as a Variant of Uncertain Significance. This variant has not been reported in the literature in individuals affected with ARHGEF15-related conditions. This variant results in a copy number gain of the genomic region encompassing exon(s) 10-16 of the ARHGEF15 gene. This region includes the termination codon of the gene. This copy number gain extends beyond the assayed region for this gene and therefore may encompass additional genes. As the precise location of this event is unknown, it may be in tandem or it may be located elsewhere in the genome.

NC_000017.10:g.(?_8221685)_(8224311_?)dup

Gene: ARHGEF15 (Rho guanine nucleotide exchange factor 15; plus strand). Cytogenetic location: 17p13.1.
Variant type: Duplication.
Identifiers: ClinVar variation 2427516 (VCV002427516.4).